The following is an entry in ClinVar:

ClinVar aggregate classification (germline): Uncertain significance (1 of 4 stars; one submission).

Allele frequency attached by ClinVar (database versions not stated): gnomAD exomes below 0.00001; TOPMed below 0.00001.

Submission:

GeneDx
Classification: Uncertain significance. Last evaluated: 2023-03-30. Review status: criteria provided, single submitter. Criteria: GeneDx Variant Classification Process June 2021. Collection method: clinical testing. Allele origin: germline. Affected: yes.
Comment: Not observed at significant frequency in large population cohorts (gnomAD); In silico analysis supports that this missense variant has a deleterious effect on protein structure/function; Has not been previously published as pathogenic or benign to our knowledge

NM_018896.5(CACNA1G):c.503C>T (p.Ser168Leu)

Gene: CACNA1G (calcium voltage-gated channel subunit alpha1 G; plus strand). Cytogenetic location: 17q21.33.
Variant type: single nucleotide variant.
Coding change: c.503C>T on transcript NM_018896.5 (MANE Select); coding-DNA position 503, C replaced by T.
Protein change: p.Ser168Leu; replaces serine 168 with leucine.
Molecular consequence: missense variant. On other transcripts: non-coding transcript variant (5).
Genome position (GRCh38, 1-based): chr17:50,569,720, C>T. VCF-style: chr17-50569720-C-T. GRCh37 (hg19) VCF-style: chr17-48647081-C-T.
Other names: c.503C>T, p.Ser168Leu (NM_001256332.2, NM_001256333.2, NM_001256328.2 and 24 more transcripts); short protein forms S168L.
Identifiers: ClinVar variation 2582152 (VCV002582152.1), dbSNP rs1254989551, ClinGen allele CA400228403.